The following is an entry in ClinVar:

ClinVar aggregate classification (germline): Benign (1 of 4 stars; one submission).

Conditions:
Seizures, benign familial infantile, 3 (BFIS3). Also called: CONVULSIONS, BENIGN FAMILIAL INFANTILE, 3; Familial neonatal seizures. Identifiers: Orphanet 140927, Orphanet 306, MedGen C1843140, MONDO:0011904, OMIM 607745.

Allele frequency attached by ClinVar (database versions not stated): gnomAD 0.00237 and 0.00256; 1000 Genomes Project 0.00240; TOPMed 0.00281; 1000 Genomes Project 30x 0.00297.
gnomAD v4.1: 355 of 152,698 alleles (0.23%); highest among the groups gnomAD compares: African/African-American, 0.78%; 1 homozygote.

Submission:

Illumina Laboratory Services, Illumina
Classification: Benign for Seizures, benign familial infantile, 3. Last evaluated: 2018-01-13. Review status: criteria provided, single submitter. Criteria: ICSL Variant Classification Criteria 13 December 2019. Collection method: clinical testing. Allele origin: germline.
Comment: This variant was observed in the ICSL laboratory as part of a predisposition screen in an ostensibly healthy population. It had not been previously curated by ICSL or reported in the Human Gene Mutation Database (HGMD: prior to June 1st, 2018), and was therefore a candidate for classification through an automated scoring system. Utilizing variant allele frequency, disease prevalence and penetrance estimates, and inheritance mode, an automated score was calculated to assess if this variant is too frequent to cause the disease. Based on the score and internal cut-off values, a variant classified as benign is not then subjected to further curation. The score for this variant resulted in a classification of benign for this disease.

NM_001040142.2(SCN2A):c.*1036T>C

Gene: SCN2A (sodium voltage-gated channel alpha subunit 2; plus strand). Cytogenetic location: 2q24.3.
Variant type: single nucleotide variant.
Coding change: c.*1036T>C on transcript NM_001040142.2 (MANE Select); 1036 bases downstream of the stop codon, T replaced by C.
Molecular consequence: 3 prime UTR variant.
Genome position (GRCh38, 1-based): chr2:165,390,860, T>C. VCF-style: chr2-165390860-T-C. GRCh37 (hg19) VCF-style: chr2-166247370-T-C.
Other names: c.*1036T>C (NM_001040143.2, NM_001371246.1, NM_001371247.1 and 1 more transcripts).
Identifiers: ClinVar variation 894396 (VCV000894396.4), dbSNP rs562663760, ClinGen allele CA59754318.